The following is an entry in ClinVar:

NM_005918.4(MDH2):c.589A>G (p.Ile197Val)

Gene: MDH2 (malate dehydrogenase 2; plus strand). Cytogenetic location: 7q11.23.
Variant type: single nucleotide variant.
Coding change: c.589A>G on transcript NM_005918.4 (MANE Select); coding-DNA position 589, A replaced by G.
Protein change: p.Ile197Val; replaces isoleucine 197 with valine.
Molecular consequence: missense variant.
Genome position (GRCh38, 1-based): chr7:76,063,548, A>G. VCF-style: chr7-76063548-A-G. GRCh37 (hg19) VCF-style: chr7-75692866-A-G.
Other names: c.463A>G, p.Ile155Val (NM_001282403.2); c.268A>G, p.Ile90Val (NM_001282404.2); short protein forms I155V, I197V, I90V.
Identifiers: ClinVar variation 3225201 (VCV003225201.1), dbSNP rs2116696649, ClinGen allele CA367766683.

ClinVar aggregate classification (germline): Uncertain significance (1 of 4 stars; one submission).

Conditions:
Inborn genetic diseases. Identifiers: MedGen C0950123, MeSH D030342.

Submission:

Ambry Genetics
Classification: Uncertain significance for Inborn genetic diseases. Last evaluated: 2023-12-31. Review status: criteria provided, single submitter. Criteria: Ambry Variant Classification Scheme 2023. Collection method: clinical testing. Allele origin: germline.
Comment: The p.I197V variant (also known as c.589A>G), located in coding exon 6 of the MDH2 gene, results from an A to G substitution at nucleotide position 589. The isoleucine at codon 197 is replaced by valine, an amino acid with highly similar properties. This amino acid position is conserved. In addition, this alteration is predicted to be tolerated by in silico analysis. Since supporting evidence is limited at this time, the clinical significance of this alteration remains unclear.